The following is an entry in ClinVar:

NM_018685.5(ANLN):c.2481A>G (p.Ala827=)

Gene: ANLN (anillin, actin binding protein; plus strand). Cytogenetic location: 7p14.2.
Variant type: single nucleotide variant.
Coding change: c.2481A>G on transcript NM_018685.5 (MANE Select); coding-DNA position 2481, A replaced by G.
Protein change: p.Ala827=; no amino-acid change (alanine 827 retained).
Molecular consequence: synonymous variant.
Genome position (GRCh38, 1-based): chr7:36,423,821, A>G. VCF-style: chr7-36423821-A-G. GRCh37 (hg19) VCF-style: chr7-36463430-A-G.
Other names: c.2370A>G, p.Ala790= (NM_001284301.3); c.2367A>G, p.Ala789= (NM_001284302.3); c.2481A>G (NM_018685.4).
Identifiers: ClinVar variation 1587848 (VCV001587848.10), dbSNP rs142859579, ClinGen allele CA4219880.

ClinVar aggregate classification (germline): Likely benign. Review status: criteria provided, single submitter (1 of 4 stars). 2 submissions from 2 submitters: Likely benign (1). 1 of the submissions does not count toward it. Last evaluated 2025-09-10.

Conditions:
ANLN-related disorder. Also called: ANLN-related condition.

Allele frequency attached by ClinVar (database versions not stated): gnomAD exomes 0.00004 and 0.00007; ExAC 0.00009; TOPMed 0.00018; gnomAD 0.00022; ESP Exome Variant Server 0.00031.
gnomAD v4.1: 98 of 1,609,204 alleles (0.0061%); highest among the groups gnomAD compares: African/African-American, 0.071%; 1 homozygote.

Submissions (2):

Labcorp Genetics (formerly Invitae), Labcorp
Classification: Likely benign. Last evaluated: 2025-09-10. Review status: criteria provided, single submitter. Criteria: Invitae Variant Classification Sherloc (09022015). Collection method: clinical testing. Allele origin: germline.

PreventionGenetics, part of Exact Sciences
Classification: Likely benign for ANLN-related condition. Last evaluated: 2020-03-30. Review status: no assertion criteria provided. Collection method: clinical testing. Allele origin: germline. Not counted in ClinVar's aggregate classification.
Comment: This variant is classified as likely benign based on ACMG/AMP sequence variant interpretation guidelines (Richards et al. 2015 PMID: 25741868, with internal and published modifications).